The following is an entry in ClinVar:

NM_032801.5(JAM3):c.409+5G>A

Gene: JAM3 (junctional adhesion molecule 3; plus strand). Cytogenetic location: 11q25.
Variant type: single nucleotide variant.
Coding change: c.409+5G>A on transcript NM_032801.5 (MANE Select); 5 bases into the intron after coding-DNA position 409, G replaced by A.
Molecular consequence: intron variant.
Genome position (GRCh38, 1-based): chr11:134,144,398, G>A. VCF-style: chr11-134144398-G-A. GRCh37 (hg19) VCF-style: chr11-134014293-G-A.
Other names: c.257-394G>A (NM_001205329.2).
Identifiers: ClinVar variation 2692472 (VCV002692472.1), dbSNP rs2497292975, ClinGen allele CA2697559063.

ClinVar aggregate classification (germline): Uncertain significance (1 of 4 stars; one submission).

Submission:

Greenwood Genetic Center Diagnostic Laboratories, Greenwood Genetic Center
Classification: Uncertain significance. Last evaluated: 2023-11-20. Review status: criteria provided, single submitter. Criteria: ACMG Guidelines, 2015. Collection method: clinical testing. Allele origin: germline. Affected: yes.
Comment: PM2, PP3